The following is an entry in ClinVar:

ClinVar aggregate classification (germline): Uncertain significance. Review status: criteria provided, multiple submitters, no conflicts (2 of 4 stars). 2 submissions from 2 submitters: Uncertain significance (2). Last evaluated 2024-03-19.

Conditions:
Ehlers-Danlos syndrome, classic type, 1 (EDSCL1). Also called: EHLERS-DANLOS SYNDROME, GRAVIS TYPE; EHLERS-DANLOS SYNDROME, SEVERE CLASSIC TYPE; Ehlers-Danlos syndrome, type 1; Ehlers-Danlos Syndrome, Classic Type, COL5A1-Related; EDS I. Identifiers: MedGen C0268335, MONDO:0019567, OMIM 130000.
Osteogenesis imperfecta type I (OI1). Also called: OI, TYPE I; OSTEOGENESIS IMPERFECTA TARDA; OSTEOGENESIS IMPERFECTA WITH BLUE SCLERAE; Osteogenesis imperfecta type 1; Lobstein's Disease; Lobstein disease. Identifiers: Orphanet 216796, Orphanet 666, MedGen C0023931, MONDO:0008146, OMIM 166200. Disease mechanism: loss of function.

Submissions (2):

Labcorp Genetics (formerly Invitae), Labcorp
Classification: Uncertain significance for Osteogenesis imperfecta type I; Ehlers-Danlos syndrome, classic type, 1. Last evaluated: 2024-03-19. Review status: criteria provided, single submitter. Criteria: Invitae Variant Classification Sherloc (09022015). Collection method: clinical testing. Allele origin: germline.
Comment: This sequence change replaces glutamine, which is neutral and polar, with arginine, which is basic and polar, at codon 1354 of the COL1A2 protein (p.Gln1354Arg). This variant is not present in population databases (gnomAD no frequency). This variant has not been reported in the literature in individuals affected with COL1A2-related conditions. Advanced modeling of protein sequence and biophysical properties (such as structural, functional, and spatial information, amino acid conservation, physicochemical variation, residue mobility, and thermodynamic stability) has been performed at Invitae for this missense variant, however the output from this modeling did not meet the statistical confidence thresholds required to predict the impact of this variant on COL1A2 protein function. In summary, the available evidence is currently insufficient to determine the role of this variant in disease. Therefore, it has been classified as a Variant of Uncertain Significance.

ARUP Laboratories, Molecular Genetics and Genomics, ARUP Laboratories
Classification: Uncertain significance. Last evaluated: 2024-01-26. Review status: criteria provided, single submitter. Criteria: ARUP Molecular Germline Variant Investigation Process 2024. Collection method: clinical testing. Allele origin: germline.
Comment: The COL1A2 c.4061A>G; p.Gln1354Arg variant (rs947245990), to our knowledge, is not reported in the medical literature or gene specific databases. This variant is absent from the Genome Aggregation Database (v2.1.1), indicating it is not a common polymorphism. Computational analyses predict that this variant is deleterious (REVEL: 0.708). Due to limited information, the clinical significance of this variant is uncertain at this time.

NM_000089.4(COL1A2):c.4061A>G (p.Gln1354Arg)

Gene: COL1A2 (collagen type I alpha 2 chain; plus strand). Cytogenetic location: 7q21.3.
Variant type: single nucleotide variant.
Coding change: c.4061A>G on transcript NM_000089.4 (MANE Select); coding-DNA position 4061, A replaced by G.
Protein change: p.Gln1354Arg; replaces glutamine 1354 with arginine.
Molecular consequence: missense variant.
Genome position (GRCh38, 1-based): chr7:94,430,353, A>G. VCF-style: chr7-94430353-A-G. GRCh37 (hg19) VCF-style: chr7-94059665-A-G.
Other names: short protein forms Q1354R.
Identifiers: ClinVar variation 3755400 (VCV003755400.3).